The following is an entry in ClinVar:

ClinVar aggregate classification (germline): Conflicting classifications of pathogenicity. Review status: criteria provided, conflicting classifications (1 of 4 stars). 3 submissions from 3 submitters: Uncertain significance (1); Likely benign (1). 1 of the submissions does not count toward it. Last evaluated 2024-05-07.

Conditions:
Inborn genetic diseases. Identifiers: MedGen C0950123, MeSH D030342.
CDON-related disorder. Also called: CDON-related condition.
Holoprosencephaly 11 (HPE11). Identifiers: Orphanet 2162, MedGen C3280215, MONDO:0013642, OMIM 614226.

Allele frequency attached by ClinVar (database versions not stated): ExAC 0.00006; ESP Exome Variant Server 0.00015; TOPMed 0.00017; gnomAD 0.00018 and 0.00020.
gnomAD v4.1: 59 of 1,613,998 alleles (0.0037%); highest among the groups gnomAD compares: African/African-American, 0.047%; 1 homozygote.

Submissions (3):

Labcorp Genetics (formerly Invitae), Labcorp
Classification: Uncertain significance for Holoprosencephaly 11. Last evaluated: 2024-05-07. Review status: criteria provided, single submitter. Criteria: Invitae Variant Classification Sherloc (09022015). Collection method: clinical testing. Allele origin: germline.
Comment: This sequence change replaces asparagine, which is neutral and polar, with serine, which is neutral and polar, at codon 342 of the CDON protein (p.Asn342Ser). This variant is present in population databases (rs140975280, gnomAD 0.05%). This variant has not been reported in the literature in individuals affected with CDON-related conditions. ClinVar contains an entry for this variant (Variation ID: 1496647). Advanced modeling of protein sequence and biophysical properties (such as structural, functional, and spatial information, amino acid conservation, physicochemical variation, residue mobility, and thermodynamic stability) performed at Invitae indicates that this missense variant is not expected to disrupt CDON protein function with a negative predictive value of 80%. In summary, the available evidence is currently insufficient to determine the role of this variant in disease. Therefore, it has been classified as a Variant of Uncertain Significance.

Ambry Genetics
Classification: Likely benign for Inborn genetic diseases. Last evaluated: 2021-11-15. Review status: criteria provided, single submitter. Criteria: Ambry Variant Classification Scheme 2023. Collection method: clinical testing. Allele origin: germline.

PreventionGenetics, part of Exact Sciences
Classification: Likely benign for CDON-related condition. Last evaluated: 2023-01-23. Review status: no assertion criteria provided. Collection method: clinical testing. Allele origin: germline. Not counted in ClinVar's aggregate classification.
Comment: This variant is classified as likely benign based on ACMG/AMP sequence variant interpretation guidelines (Richards et al. 2015 PMID: 25741868, with internal and published modifications).

NM_001378964.1(CDON):c.1025A>G (p.Asn342Ser)

Gene: CDON (cell adhesion associated, oncogene regulated; minus strand). Cytogenetic location: 11q24.2.
Variant type: single nucleotide variant.
Coding change: c.1025A>G on transcript NM_001378964.1 (MANE Select); coding-DNA position 1025, A replaced by G.
Protein change: p.Asn342Ser; replaces asparagine 342 with serine.
Molecular consequence: missense variant.
Genome position (GRCh38, 1-based): chr11:126,015,414, T>C on the plus strand (A>G on the coding strand, the complement: CDON is on the minus strand). VCF-style: chr11-126015414-T-C. GRCh37 (hg19) VCF-style: chr11-125885309-T-C.
Other names: c.1025A>G, p.Asn342Ser (NM_001243597.3, NM_016952.6); short protein forms N342S.
Identifiers: ClinVar variation 1496647 (VCV001496647.10), dbSNP rs140975280, ClinGen allele CA6352176.